The following is an entry in ClinVar:

ClinVar aggregate classification (germline): Conflicting classifications of pathogenicity. Review status: criteria provided, conflicting classifications (1 of 4 stars). 2 submissions from 2 submitters: Uncertain significance (1); Likely benign (1). Last evaluated 2025-07-25.

Conditions:
SLC34A3-related disorder. Also called: SLC34A3-related condition.

Allele frequency attached by ClinVar (database versions not stated): ExAC 0.00003; gnomAD 0.00005; TOPMed 0.00007; ESP Exome Variant Server 0.00015.
gnomAD v4.1: 63 of 1,605,354 alleles (0.0039%); highest among the groups gnomAD compares: Middle Eastern, 0.017%; 2 homozygotes.

Submissions (2):

Labcorp Genetics (formerly Invitae), Labcorp
Classification: Likely benign. Last evaluated: 2025-07-25. Review status: criteria provided, single submitter. Criteria: Invitae Variant Classification Sherloc (09022015). Collection method: clinical testing. Allele origin: germline.

PreventionGenetics, part of Exact Sciences
Classification: Uncertain significance for SLC34A3-related condition. Last evaluated: 2025-01-14. Review status: criteria provided, single submitter. Criteria: ACMG Guidelines, 2015. Collection method: clinical testing. Allele origin: germline.
Comment: The SLC34A3 c.728C>T variant is predicted to result in the amino acid substitution p.Thr243Met. To our knowledge, this variant has not been reported in the literature. This variant is reported in 0.015% of alleles in individuals of African descent in gnomAD. At this time, the clinical significance of this variant is uncertain due to the absence of conclusive functional and genetic evidence.

NM_001177316.2(SLC34A3):c.728C>T (p.Thr243Met)

Gene: SLC34A3 (solute carrier family 34 member 3; plus strand). Cytogenetic location: 9q34.3.
Variant type: single nucleotide variant.
Coding change: c.728C>T on transcript NM_001177316.2 (MANE Select); coding-DNA position 728, C replaced by T.
Protein change: p.Thr243Met; replaces threonine 243 with methionine.
Molecular consequence: missense variant.
Genome position (GRCh38, 1-based): chr9:137,233,376, C>T. VCF-style: chr9-137233376-C-T. GRCh37 (hg19) VCF-style: chr9-140127828-C-T.
Other names: c.728C>T, p.Thr243Met (NM_001177317.2, NM_080877.3); c.728C>T (NM_080877.2); short protein forms T243M.
Identifiers: ClinVar variation 2080228 (VCV002080228.5), dbSNP rs372561239, ClinGen allele CA5364535.